The following is an entry in ClinVar:

ClinVar aggregate classification (germline): Likely benign. Review status: criteria provided, multiple submitters, no conflicts (2 of 4 stars). 3 submissions from 3 submitters: Likely benign (3). Last evaluated 2025-11-11.

Conditions:
Hereditary cancer-predisposing syndrome. Also called: Hereditary Cancer Syndrome; Hereditary neoplastic syndrome; Neoplastic Syndromes, Hereditary; Tumor predisposition. Identifiers: Orphanet 140162, MedGen C0027672, MeSH D009386, MONDO:0015356.

Allele frequency attached by ClinVar (database versions not stated): gnomAD exomes below 0.00001.
gnomAD v4.1: 3 of 1,612,822 alleles (0.00019%); highest among the groups gnomAD compares: Non-Finnish European, 0.00017%; no homozygotes.

Submissions (3):

Labcorp Genetics (formerly Invitae), Labcorp
Classification: Likely benign. Last evaluated: 2025-11-11. Review status: criteria provided, single submitter. Criteria: Invitae Variant Classification Sherloc (09022015). Collection method: clinical testing. Allele origin: germline.

Ambry Genetics
Classification: Likely benign for Hereditary cancer-predisposing syndrome. Last evaluated: 2022-04-19. Review status: criteria provided, single submitter. Criteria: Ambry Variant Classification Scheme 2023. Collection method: clinical testing. Allele origin: germline.

GeneDx
Classification: Likely benign. Last evaluated: 2016-03-10. Review status: criteria provided, single submitter. Criteria: GeneDx Variant Classification (06012015). Collection method: clinical testing. Allele origin: germline. Affected: yes.
Comment: This variant is considered likely benign or benign based on one or more of the following criteria: it is a conservative change, it occurs at a poorly conserved position in the protein, it is predicted to be benign by multiple in silico algorithms, and/or has population frequency not consistent with disease.

NM_006231.4(POLE):c.3363C>T (p.Asp1121=)

Gene: POLE (DNA polymerase epsilon, catalytic subunit; minus strand). Cytogenetic location: 12q24.33.
Variant type: single nucleotide variant.
Coding change: c.3363C>T on transcript NM_006231.4 (MANE Select); coding-DNA position 3363, C replaced by T.
Protein change: p.Asp1121=; no amino-acid change (aspartic acid 1121 retained).
Molecular consequence: synonymous variant.
Genome position (GRCh38, 1-based): chr12:132,657,883, G>A on the plus strand (C>T on the coding strand, the complement: POLE is on the minus strand). VCF-style: chr12-132657883-G-A. GRCh37 (hg19) VCF-style: chr12-133234469-G-A.
Identifiers: ClinVar variation 384664 (VCV000384664.14), dbSNP rs1057522030, ClinGen allele CA16606524.
Genomic context (GRCh38, chr12:132,657,883, plus strand): 5'-TTTCCTTGTAAACTTTTAAGAGTAGAGAACGCAACTGGCACTCACTGCTCGAATATCAAA[G>A]TCTTGAAGGGAAGAGCTCTTGAGCCATTTCCGGAGAAAGTGCTTCCTCACCGTGGGCTCT-3'
Protein context (NP_006222.2, residues 1111-1131): RKWLKSSSLQ[Asp1121=]FDIRAILDWD